The following is an entry in ClinVar:

NM_024598.4(USB1):c.445C>T (p.His149Tyr)

Gene: USB1 (U6 snRNA biogenesis phosphodiesterase 1; plus strand). Cytogenetic location: 16q21.
Variant type: single nucleotide variant.
Coding change: c.445C>T on transcript NM_024598.4 (MANE Select); coding-DNA position 445, C replaced by T.
Protein change: p.His149Tyr; replaces histidine 149 with tyrosine.
Molecular consequence: missense variant.
Genome position (GRCh38, 1-based): chr16:58,010,108, C>T. VCF-style: chr16-58010108-C-T. GRCh37 (hg19) VCF-style: chr16-58044012-C-T.
Other names: c.445C>T, p.His149Tyr (NM_001195302.2, NM_001204911.2, NM_001330569.2); c.292C>T, p.His98Tyr (NM_001330568.2); short protein forms H149Y, H98Y.
Identifiers: ClinVar variation 4827067 (VCV004827067.1).

ClinVar aggregate classification (germline): Uncertain significance (1 of 4 stars; one submission).

Conditions:
Inborn genetic diseases. Identifiers: MedGen C0950123, MeSH D030342.

Submission:

Ambry Genetics
Classification: Uncertain significance for Inborn genetic diseases. Last evaluated: 2026-03-12. Review status: criteria provided, single submitter. Criteria: Ambry Variant Classification Scheme 2023. Collection method: clinical testing. Allele origin: germline.
Comment: The p.H149Y variant (also known as c.445C>T), located in coding exon 3 of the USB1 gene, results from a C to T substitution at nucleotide position 445. The histidine at codon 149 is replaced by tyrosine, an amino acid with similar properties. This amino acid position is conserved. In addition, this alteration is predicted to be tolerated by in silico analysis. Based on the available evidence, the clinical significance of this variant remains unclear.